The following is an entry in ClinVar:

NM_018136.5(ASPM):c.8263del (p.Arg2755fs)

Gene: ASPM (assembly factor for spindle microtubules; minus strand). Cytogenetic location: 1q31.3.
Variant type: Deletion.
Coding change: c.8263del on transcript NM_018136.5 (MANE Select); coding-DNA position 8263, one base deleted (A; older notation c.8263delA).
Protein change: p.Arg2755fs; shifts the reading frame from arginine 2755.
Molecular consequence: frameshift variant. On other transcripts: intron variant (1).
Genome position (GRCh38, 1-based): chr1:197,100,988, T deleted on the plus strand (A on the coding strand, the reverse complement: ASPM is on the minus strand). VCF-style (leftmost placement, unchanged base first): chr1-197100987-CT-C. GRCh37 (hg19) VCF-style: chr1-197070117-CT-C.
Other names: c.4066-4824del (NM_001206846.2); short protein forms R2755fs.
Identifiers: ClinVar variation 3239560 (VCV003239560.19), dbSNP rs2527289295.

ClinVar aggregate classification (germline): Pathogenic (1 of 4 stars; one submission).

Allele frequency attached by ClinVar (database versions not stated): gnomAD exomes below 0.00001.

Submission:

CeGaT Center for Human Genetics Tuebingen
Classification: Pathogenic. Last evaluated: 2024-05-01. Review status: criteria provided, single submitter. Criteria: CeGaT Center For Human Genetics Tuebingen Variant Classification Criteria Version 2. Collection method: clinical testing. Allele origin: germline. Affected: yes. Observed: 2 variant alleles.
Comment: ASPM: PVS1, PM2